The following is an entry in ClinVar:

NM_000093.5(COL5A1):c.2470A>T (p.Ile824Phe)

Gene: COL5A1 (collagen type V alpha 1 chain; plus strand). Cytogenetic location: 9q34.3.
Variant type: single nucleotide variant.
Coding change: c.2470A>T on transcript NM_000093.5 (MANE Select); coding-DNA position 2470, A replaced by T.
Protein change: p.Ile824Phe; replaces isoleucine 824 with phenylalanine.
Molecular consequence: missense variant.
Genome position (GRCh38, 1-based): chr9:134,782,706, A>T. VCF-style: chr9-134782706-A-T. GRCh37 (hg19) VCF-style: chr9-137674552-A-T.
Other names: p.Ile824Phe; c.2470A>T, p.Ile824Phe (NM_001278074.1); short protein forms I824F.
Identifiers: ClinVar variation 4541518 (VCV004541518.1).

ClinVar aggregate classification (germline): Uncertain significance (1 of 4 stars; one submission).

gnomAD v4.1: 1 of 1,613,886 alleles (0.000062%); no homozygotes.

Submission:

Mayo Clinic Laboratories, Mayo Clinic
Classification: Uncertain significance. Last evaluated: 2025-11-06. Review status: criteria provided, single submitter. Criteria: ACMG Guidelines, 2015. Collection method: clinical testing. Allele origin: germline. Observed: 1 variant allele.
Comment: PM2_supporting